The following is an entry in ClinVar:

NM_002691.4(POLD1):c.2570C>T (p.Pro857Leu)

Gene: POLD1 (DNA polymerase delta 1, catalytic subunit; plus strand). Cytogenetic location: 19q13.33.
Variant type: single nucleotide variant.
Coding change: c.2570C>T on transcript NM_002691.4 (MANE Select); coding-DNA position 2570, C replaced by T.
Protein change: p.Pro857Leu; replaces proline 857 with leucine.
Molecular consequence: missense variant. On other transcripts: non-coding transcript variant (1).
Genome position (GRCh38, 1-based): chr19:50,415,443, C>T. VCF-style: chr19-50415443-C-T. GRCh37 (hg19) VCF-style: chr19-50918700-C-T.
Other names: c.2570C>T, p.Pro857Leu (NM_001256849.1); c.2648C>T, p.Pro883Leu (NM_001308632.1); c.2570C>T (NM_002691.2); short protein forms P857L, P883L.
Identifiers: ClinVar variation 537042 (VCV000537042.14), dbSNP rs776013537, ClinGen allele CA9596590.

ClinVar aggregate classification (germline): Uncertain significance. Review status: criteria provided, multiple submitters, no conflicts (2 of 4 stars). 3 submissions from 3 submitters: Uncertain significance (3). Last evaluated 2026-01-05.

Conditions:
Hereditary cancer-predisposing syndrome. Also called: Tumor predisposition; Neoplastic Syndromes, Hereditary; Hereditary Cancer Syndrome; Hereditary neoplastic syndrome. Identifiers: Orphanet 140162, MedGen C0027672, MeSH D009386, MONDO:0015356.
POLD1-related polyposis and colorectal cancer syndrome (CRCS10). Also called: Colorectal cancer 10; COLORECTAL CANCER, SUSCEPTIBILITY TO, ON CHROMOSOME 19q; Colorectal cancer, susceptibility to, 10. Identifiers: Orphanet 220460, MedGen C2675481, MONDO:0012953, OMIM 612591.

Allele frequency attached by ClinVar (database versions not stated): gnomAD 0.00001; ExAC 0.00002; gnomAD exomes 0.00002; TOPMed 0.00002.
gnomAD v4.1: 6 of 1,612,396 alleles (0.00037%); highest among the groups gnomAD compares: African/African-American, 0.008%; no homozygotes.

Submissions (3):

Labcorp Genetics (formerly Invitae), Labcorp
Classification: Uncertain significance for POLD1-related polyposis and colorectal cancer syndrome. Last evaluated: 2026-01-05. Review status: criteria provided, single submitter. Criteria: Invitae Variant Classification Sherloc (09022015). Collection method: clinical testing. Allele origin: germline.
Comment: This sequence change replaces proline, which is neutral and non-polar, with leucine, which is neutral and non-polar, at codon 857 of the POLD1 protein (p.Pro857Leu). This variant is present in population databases (rs776013537, gnomAD 0.03%). This variant has not been reported in the literature in individuals affected with POLD1-related conditions. ClinVar contains an entry for this variant (Variation ID: 537042). Invitae Evidence Modeling of protein sequence and biophysical properties (such as structural, functional, and spatial information, amino acid conservation, physicochemical variation, residue mobility, and thermodynamic stability) indicates that this missense variant is not expected to disrupt POLD1 protein function with a negative predictive value of 80%. In summary, the available evidence is currently insufficient to determine the role of this variant in disease. Therefore, it has been classified as a Variant of Uncertain Significance.

Ambry Genetics
Classification: Uncertain significance for Hereditary cancer-predisposing syndrome. Last evaluated: 2025-08-02. Review status: criteria provided, single submitter. Criteria: Ambry Variant Classification Scheme 2023. Collection method: clinical testing. Allele origin: germline.

GeneDx
Classification: Uncertain significance. Last evaluated: 2024-03-01. Review status: criteria provided, single submitter. Criteria: GeneDx Variant Classification Process June 2021. Collection method: clinical testing. Allele origin: germline. Affected: yes.
Comment: Not observed at significant frequency in large population cohorts (gnomAD); In silico analysis supports that this missense variant has a deleterious effect on protein structure/function; Has not been previously published as pathogenic or benign to our knowledge